The following is an entry in ClinVar:

NM_003628.6(PKP4):c.2936A>C (p.Lys979Thr)

Genes: PKP4 (plakophilin 4; plus strand), PKP4-AS1 (PKP4 antisense RNA 1; minus strand). Cytogenetic location: 2q24.1.
Variant type: single nucleotide variant.
Coding change: c.2936A>C on transcript NM_003628.6 (MANE Select); coding-DNA position 2936, A replaced by C.
Protein change: p.Lys979Thr; replaces lysine 979 with threonine.
Molecular consequence: missense variant.
Genome position (GRCh38, 1-based): chr2:158,673,688, A>C. VCF-style: chr2-158673688-A-C. GRCh37 (hg19) VCF-style: chr2-159530200-A-C.
Other names: c.2933A>C, p.Lys978Thr (NM_001377220.1, NM_001377221.1, NM_001377226.1 and 2 more transcripts); c.2930A>C, p.Lys977Thr (NM_001377222.1, NM_001377223.1); c.2927A>C, p.Lys976Thr (NM_001377224.1); c.2936A>C, p.Lys979Thr (NM_001377225.1, NM_001005476.4, NM_001377218.1); c.1907A>C, p.Lys636Thr (NM_001304970.3); short protein forms K636T, K976T, K977T, K978T, K979T.
Identifiers: ClinVar variation 4862004 (VCV004862004.1).

ClinVar aggregate classification (germline): Uncertain significance (1 of 4 stars; one submission).

gnomAD v4.1: 3 of 1,611,450 alleles (0.00019%); highest among the groups gnomAD compares: Non-Finnish European, 0.00025%; no homozygotes.

Submission:

Ambry Genetics
Classification: Uncertain significance. Last evaluated: 2026-03-29. Review status: criteria provided, single submitter. Criteria: Ambry Variant Classification Scheme 2023. Collection method: clinical testing. Allele origin: germline.
Comment: The p.K979T variant (also known as c.2936A>C), located in coding exon 17 of the PKP4 gene, results from an A to C substitution at nucleotide position 2936. The lysine at codon 979 is replaced by threonine, an amino acid with similar properties. This amino acid position is conserved. In addition, this alteration is predicted to be deleterious by in silico analysis. Based on the available evidence, the clinical significance of this variant remains unclear.